The following is an entry in ClinVar:

NM_001029883.3(PCARE):c.1501A>G (p.Ser501Gly)

Gene: PCARE (photoreceptor cilium actin regulator; minus strand). Cytogenetic location: 2p23.2.
Variant type: single nucleotide variant.
Coding change: c.1501A>G on transcript NM_001029883.3 (MANE Select); coding-DNA position 1501, A replaced by G.
Protein change: p.Ser501Gly; replaces serine 501 with glycine.
Molecular consequence: missense variant.
Genome position (GRCh38, 1-based): chr2:29,072,761, T>C on the plus strand (A>G on the coding strand, the complement: PCARE is on the minus strand). VCF-style: chr2-29072761-T-C. GRCh37 (hg19) VCF-style: chr2-29295627-T-C.
Other names: short protein forms S501G.
Identifiers: ClinVar variation 3001594 (VCV003001594.3), dbSNP rs1423517787, ClinGen allele CA346479531.

ClinVar aggregate classification (germline): Uncertain significance (1 of 4 stars; one submission).

Allele frequency attached by ClinVar (database versions not stated): gnomAD exomes below 0.00001; TOPMed 0.00001.
gnomAD v4.1: 2 of 1,614,094 alleles (0.00012%); highest among the groups gnomAD compares: East Asian, 0.0045%; no homozygotes.

Submission:

Labcorp Genetics (formerly Invitae), Labcorp
Classification: Uncertain significance. Last evaluated: 2024-12-16. Review status: criteria provided, single submitter. Criteria: Invitae Variant Classification Sherloc (09022015). Collection method: clinical testing. Allele origin: germline.
Comment: This sequence change replaces serine, which is neutral and polar, with glycine, which is neutral and non-polar, at codon 501 of the PCARE protein (p.Ser501Gly). This variant is present in population databases (no rsID available, gnomAD 0.006%). This variant has not been reported in the literature in individuals affected with PCARE-related conditions. ClinVar contains an entry for this variant (Variation ID: 3001594). An algorithm developed to predict the effect of missense changes on protein structure and function outputs the following: PolyPhen-2: "Benign". The glycine amino acid residue is found in multiple mammalian species, which suggests that this missense change does not adversely affect protein function. In summary, the available evidence is currently insufficient to determine the role of this variant in disease. Therefore, it has been classified as a Variant of Uncertain Significance.